The following is an entry in ClinVar:

ClinVar aggregate classification (germline): Uncertain significance (1 of 4 stars; one submission).

Submission:

Labcorp Genetics (formerly Invitae), Labcorp
Classification: Uncertain significance. Last evaluated: 2023-03-23. Review status: criteria provided, single submitter. Criteria: Invitae Variant Classification Sherloc (09022015). Collection method: clinical testing. Allele origin: germline.
Comment: This variant has not been reported in the literature in individuals affected with GINS1-related conditions. In summary, the available evidence is currently insufficient to determine the role of this variant in disease. Therefore, it has been classified as a Variant of Uncertain Significance. An algorithm developed to predict the effect of missense changes on protein structure and function (PolyPhen-2) suggests that this variant is likely to be disruptive. This variant is not present in population databases (gnomAD no frequency). This sequence change replaces histidine, which is basic and polar, with tyrosine, which is neutral and polar, at codon 66 of the GINS1 protein (p.His66Tyr).

NM_021067.5(GINS1):c.196C>T (p.His66Tyr)

Gene: GINS1 (GINS complex subunit 1; plus strand). Cytogenetic location: 20p11.21.
Variant type: single nucleotide variant.
Coding change: c.196C>T on transcript NM_021067.5 (MANE Select); coding-DNA position 196, C replaced by T.
Protein change: p.His66Tyr; replaces histidine 66 with tyrosine.
Molecular consequence: missense variant. On other transcripts: non-coding transcript variant (1), intron variant (1).
Genome position (GRCh38, 1-based): chr20:25,417,159, C>T. VCF-style: chr20-25417159-C-T. GRCh37 (hg19) VCF-style: chr20-25397795-C-T.
Other names: c.196C>T, p.His66Tyr (NM_001410830.1); c.76-8052C>T (NM_001410831.1); short protein forms H66Y.
Identifiers: ClinVar variation 2816633 (VCV002816633.3), dbSNP rs2516024941, ClinGen allele CA408447394.